The following is an entry in ClinVar:

ClinVar aggregate classification (germline): Uncertain significance (1 of 4 stars; one submission).

Submission:

Labcorp Genetics (formerly Invitae), Labcorp
Classification: Uncertain significance. Last evaluated: 2024-11-12. Review status: criteria provided, single submitter. Criteria: Invitae Variant Classification Sherloc (09022015). Collection method: clinical testing. Allele origin: germline.
Comment: This sequence change replaces lysine, which is basic and polar, with glutamic acid, which is acidic and polar, at codon 2439 of the TRRAP protein (p.Lys2439Glu). This variant is not present in population databases (gnomAD no frequency). This variant has not been reported in the literature in individuals affected with TRRAP-related conditions. Invitae Evidence Modeling of protein sequence and biophysical properties (such as structural, functional, and spatial information, amino acid conservation, physicochemical variation, residue mobility, and thermodynamic stability) indicates that this missense variant is expected to disrupt TRRAP protein function with a positive predictive value of 80%. In summary, the available evidence is currently insufficient to determine the role of this variant in disease. Therefore, it has been classified as a Variant of Uncertain Significance.

NM_001375524.1(TRRAP):c.7390A>G (p.Lys2464Glu)

Gene: TRRAP (transformation/transcription domain associated protein; plus strand). Cytogenetic location: 7q22.1.
Variant type: single nucleotide variant.
Coding change: c.7390A>G on transcript NM_001375524.1 (MANE Select); coding-DNA position 7390, A replaced by G.
Protein change: p.Lys2464Glu; replaces lysine 2464 with glutamic acid.
Molecular consequence: missense variant.
Genome position (GRCh38, 1-based): chr7:98,967,576, A>G. VCF-style: chr7-98967576-A-G. GRCh37 (hg19) VCF-style: chr7-98565199-A-G.
Other names: c.7369A>G, p.Lys2457Glu (NM_001244580.2); c.7315A>G, p.Lys2439Glu (NM_003496.4); short protein forms K2464E, K2439E, K2457E.
Identifiers: ClinVar variation 3730705 (VCV003730705.2).
Genomic context (GRCh38, chr7:98,967,576, plus strand): 5'-GCGAAACTTGAGCCTGCCTTTCTCTCTGGGCTGCGCTGTGCCCAGCCACTCATCAGGGCA[A>G]AGTTTTTCGAGGTTTTTGACAACTCCATGAAACGTCGTGTCTACGAGCGCTTGCTCTATG-3'
Protein context (NP_001362453.1, residues 2454-2474): LRCAQPLIRA[Lys2464Glu]FFEVFDNSMK